The following is an entry in ClinVar:

ClinVar aggregate classification (germline): Uncertain significance (1 of 4 stars; one submission).

Conditions:
Cardiomyopathy (CMYO). Also called: Cardiomyopathies. Identifiers: Orphanet 167848, MedGen C0878544, MONDO:0004994, HP:0001638. Inheritance: Various modes of inheritance.

Submission:

Color Diagnostics, LLC DBA Color Health
Classification: Uncertain significance for Cardiomyopathy. Last evaluated: 2025-03-31. Review status: criteria provided, single submitter. Criteria: ACMG Guidelines, 2015. Collection method: clinical testing. Allele origin: germline.
Comment: This missense variant replaces lysine with threonine at codon 1498 of the DSP protein. Computational prediction suggests that this variant may not impact protein structure and function (internally defined REVEL score threshold <= 0.5, PMID: 27666373). To our knowledge, functional studies have not been reported for this variant. This variant has not been reported in individuals affected with DSP-related disorders in the literature. This variant has not been identified in the general population by the Genome Aggregation Database (gnomAD). The available evidence is insufficient to determine the role of this variant in disease conclusively. Therefore, this variant is classified as a Variant of Uncertain Significance.

NM_004415.4(DSP):c.4493A>C (p.Lys1498Thr)

Gene: DSP (desmoplakin; plus strand). Cytogenetic location: 6p24.3.
Variant type: single nucleotide variant.
Coding change: c.4493A>C on transcript NM_004415.4 (MANE Select); coding-DNA position 4493, A replaced by C.
Protein change: p.Lys1498Thr; replaces lysine 1498 with threonine.
Molecular consequence: missense variant. On other transcripts: intron variant (2).
Genome position (GRCh38, 1-based): chr6:7,580,683, A>C. VCF-style: chr6-7580683-A-C. GRCh37 (hg19) VCF-style: chr6-7580916-A-C.
Other names: c.4050+443A>C (NM_001319034.2); c.3582+911A>C (NM_001008844.3); short protein forms K1498T.
Identifiers: ClinVar variation 3894289 (VCV003894289.1).
Genomic context (GRCh38, chr6:7,580,683, plus strand): 5'-ATAAAAACAAGGAGATAGAAAGGTTAAAACAACTGATCGACAAAGAAACAAATGACCGGA[A>C]ATGCCTGGAAGATGAAAACGCGAGATTACAAAGGGTCCAGTATGACCTGCAGAAAGCAAA-3'
Protein context (NP_004406.2, residues 1488-1508): QLIDKETNDR[Lys1498Thr]CLEDENARLQ